The following is an entry in ClinVar:

NM_004924.6(ACTN4):c.2087G>C (p.Ser696Thr)

Gene: ACTN4 (actinin alpha 4; plus strand). Cytogenetic location: 19q13.2.
Variant type: single nucleotide variant.
Coding change: c.2087G>C on transcript NM_004924.6 (MANE Select); coding-DNA position 2087, G replaced by C.
Protein change: p.Ser696Thr; replaces serine 696 with threonine.
Molecular consequence: missense variant.
Genome position (GRCh38, 1-based): chr19:38,725,800, G>C. VCF-style: chr19-38725800-G-C. GRCh37 (hg19) VCF-style: chr19-39216440-G-C.
Other names: c.2087G>C, p.Ser696Thr (NM_001322033.2, NM_001411143.1); short protein forms S696T.
Identifiers: ClinVar variation 2004435 (VCV002004435.4), dbSNP rs2515301764, ClinGen allele CA405701474.

ClinVar aggregate classification (germline): Uncertain significance (1 of 4 stars; one submission).

Submission:

Labcorp Genetics (formerly Invitae), Labcorp
Classification: Uncertain significance. Last evaluated: 2022-08-08. Review status: criteria provided, single submitter. Criteria: Invitae Variant Classification Sherloc (09022015). Collection method: clinical testing. Allele origin: germline.
Comment: In summary, the available evidence is currently insufficient to determine the role of this variant in disease. Therefore, it has been classified as a Variant of Uncertain Significance. Algorithms developed to predict the effect of missense changes on protein structure and function are either unavailable or do not agree on the potential impact of this missense change (SIFT: "Not Available"; PolyPhen-2: "Benign"; Align-GVGD: "Not Available"). This variant has not been reported in the literature in individuals affected with ACTN4-related conditions. This variant is not present in population databases (gnomAD no frequency). This sequence change replaces serine, which is neutral and polar, with threonine, which is neutral and polar, at codon 696 of the ACTN4 protein (p.Ser696Thr).